The following is an entry in ClinVar:

ClinVar aggregate classification (germline): Uncertain significance (1 of 4 stars; one submission).

gnomAD v4.1: 5 of 1,614,004 alleles (0.00031%); highest among the groups gnomAD compares: Non-Finnish European, 0.00042%; no homozygotes.

Submission:

Labcorp Genetics (formerly Invitae), Labcorp
Classification: Uncertain significance. Last evaluated: 2024-06-24. Review status: criteria provided, single submitter. Criteria: Invitae Variant Classification Sherloc (09022015). Collection method: clinical testing. Allele origin: germline.
Comment: This sequence change replaces glycine, which is neutral and non-polar, with alanine, which is neutral and non-polar, at codon 303 of the TEAD1 protein (p.Gly303Ala). This variant is present in population databases (no rsID available, gnomAD 0.003%). This variant has not been reported in the literature in individuals affected with TEAD1-related conditions. Advanced modeling of protein sequence and biophysical properties (such as structural, functional, and spatial information, amino acid conservation, physicochemical variation, residue mobility, and thermodynamic stability) performed at Invitae indicates that this missense variant is not expected to disrupt TEAD1 protein function with a negative predictive value of 80%. In summary, the available evidence is currently insufficient to determine the role of this variant in disease. Therefore, it has been classified as a Variant of Uncertain Significance.

NM_021961.6(TEAD1):c.908G>C (p.Gly303Ala)

Gene: TEAD1 (TEA domain transcription factor 1; plus strand). Cytogenetic location: 11p15.3.
Variant type: single nucleotide variant.
Coding change: c.908G>C on transcript NM_021961.6 (MANE Select); coding-DNA position 908, G replaced by C.
Protein change: p.Gly303Ala; replaces glycine 303 with alanine.
Molecular consequence: missense variant.
Genome position (GRCh38, 1-based): chr11:12,924,946, G>C. VCF-style: chr11-12924946-G-C. GRCh37 (hg19) VCF-style: chr11-12946493-G-C.
Other names: short protein forms G303A.
Identifiers: ClinVar variation 3648061 (VCV003648061.2).